The following is an entry in ClinVar:

NM_004211.5(SLC6A5):c.98G>C (p.Arg33Thr)

Gene: SLC6A5 (solute carrier family 6 member 5; plus strand). Cytogenetic location: 11p15.1.
Variant type: single nucleotide variant.
Coding change: c.98G>C on transcript NM_004211.5 (MANE Select); coding-DNA position 98, G replaced by C.
Protein change: p.Arg33Thr; replaces arginine 33 with threonine.
Molecular consequence: missense variant. On other transcripts: 5 prime UTR variant (1).
Genome position (GRCh38, 1-based): chr11:20,601,223, G>C. VCF-style: chr11-20601223-G-C. GRCh37 (hg19) VCF-style: chr11-20622769-G-C.
Other names: c.-466G>C (NM_001318369.2); short protein forms R33T.
Identifiers: ClinVar variation 950358 (VCV000950358.9), dbSNP rs867252696, ClinGen allele CA218722464.
Genomic context (GRCh38, chr11:20,601,223, plus strand): 5'-CAGCCAACAGCCCGGAGGCGGCGGCGGCGCAGGGCCACCCGGATGGCCCATGCGCTCCCA[G>C]GACGAGCCCGGAGCAGGAGCTTCCCGCGGCTGCCGCCCCGCCGCCGCCACGTGTGCCCAG-3'
Protein context (NP_004202.4, residues 23-43): QGHPDGPCAP[Arg33Thr]TSPEQELPAA

ClinVar aggregate classification (germline): Uncertain significance. Review status: criteria provided, multiple submitters, no conflicts (2 of 4 stars). 2 submissions from 2 submitters: Uncertain significance (2). Last evaluated 2022-04-04.

Conditions:
Hyperekplexia 3 (HKPX3). Also called: HYPEREKPLEXIA 3, AUTOSOMAL RECESSIVE; HYPEREKPLEXIA 3, AUTOSOMAL DOMINANT. Identifiers: Orphanet 3197, MedGen C3553288, MONDO:0013827, OMIM 614618.

Allele frequency attached by ClinVar (database versions not stated): TOPMed below 0.00001; gnomAD 0.00001; gnomAD exomes 0.00001; 1000 Genomes Project 30x 0.00016.
gnomAD v4.1: 11 of 1,581,844 alleles (0.0007%); highest among the groups gnomAD compares: Middle Eastern, 0.035%; no homozygotes.

Submissions (2):

Labcorp Genetics (formerly Invitae), Labcorp
Classification: Uncertain significance for Hyperekplexia 3. Last evaluated: 2022-04-04. Review status: criteria provided, single submitter. Criteria: Invitae Variant Classification Sherloc (09022015). Collection method: clinical testing. Allele origin: germline.
Comment: In summary, the available evidence is currently insufficient to determine the role of this variant in disease. Therefore, it has been classified as a Variant of Uncertain Significance. Advanced modeling of protein sequence and biophysical properties (such as structural, functional, and spatial information, amino acid conservation, physicochemical variation, residue mobility, and thermodynamic stability) performed at Invitae indicates that this missense variant is not expected to disrupt SLC6A5 protein function. ClinVar contains an entry for this variant (Variation ID: 950358). This variant has not been reported in the literature in individuals affected with SLC6A5-related conditions. This variant is not present in population databases (gnomAD no frequency). This sequence change replaces arginine, which is basic and polar, with threonine, which is neutral and polar, at codon 33 of the SLC6A5 protein (p.Arg33Thr).

Breakthrough Genomics
Classification: Uncertain significance. Review status: criteria provided, single submitter. Criteria: ACMG Guidelines, 2015. Collection method: not provided. Allele origin: germline. Inheritance: Autosomal recessive inheritance. Affected: yes.